The following is an entry in ClinVar:

ClinVar aggregate classification (germline): Likely pathogenic (1 of 4 stars; one submission).

Conditions:
Progressive muscular dystrophy. Identifiers: Orphanet 206644, MedGen C4551827, MONDO:0016106.

Submission:

Myriad Genetics, Inc.
Classification: Likely pathogenic for Progressive muscular dystrophy. Last evaluated: 2019-05-06. Review status: criteria provided, single submitter. Criteria: Myriad Autosomal Dominant, Autosomal Recessive and X-Linked Classification Criteria (2023). Collection method: clinical testing. Allele origin: unknown.
Comment: NM_004006.2(DMD):c.1819A>T(K607*) is expected to be pathogenic in the context of dystrophinopathy (including Duchenne/Becker muscular dystrophy). This variant is predicted to lead to an abnormal or absent protein product due to the creation of a premature termination codon in DMD, a gene where loss-of-function variants are known to be pathogenic. Please note: this variant was assessed in the context of healthy population screening.

NM_004006.3(DMD):c.1819A>T (p.Lys607Ter)

Gene: DMD (dystrophin; minus strand). Cytogenetic location: Xp21.1.
Variant type: single nucleotide variant.
Coding change: c.1819A>T on transcript NM_004006.3 (MANE Select); coding-DNA position 1819, A replaced by T.
Protein change: p.Lys607Ter; replaces lysine 607 with a stop codon.
Molecular consequence: nonsense.
Genome position (GRCh38, 1-based): chrX:32,565,875, T>A on the plus strand (A>T on the coding strand, the complement: DMD is on the minus strand). VCF-style: chrX-32565875-T-A. GRCh37 (hg19) VCF-style: chrX-32583992-T-A.
Other names: c.1795A>T, p.Lys599Ter (NM_000109.4); c.1807A>T, p.Lys603Ter (NM_004009.3); c.1450A>T, p.Lys484Ter (NM_004010.3); short protein forms K484*, K599*, K603*, K607*.
Identifiers: ClinVar variation 984111 (VCV000984111.4), dbSNP rs767698069, ClinGen allele CA412673038.